The following is an entry in ClinVar:

NM_000168.6(GLI3):c.3133G>C (p.Val1045Leu)

Gene: GLI3 (GLI family zinc finger 3; minus strand). Cytogenetic location: 7p14.1.
Variant type: single nucleotide variant.
Coding change: c.3133G>C on transcript NM_000168.6 (MANE Select); coding-DNA position 3133, G replaced by C.
Protein change: p.Val1045Leu; replaces valine 1045 with leucine.
Molecular consequence: missense variant.
Genome position (GRCh38, 1-based): chr7:41,965,940, C>G on the plus strand (G>C on the coding strand, the complement: GLI3 is on the minus strand). VCF-style: chr7-41965940-C-G. GRCh37 (hg19) VCF-style: chr7-42005538-C-G.
Other names: short protein forms V1045L.
Identifiers: ClinVar variation 3029852 (VCV003029852.4), dbSNP rs1166711228, ClinGen allele CA367319093.

ClinVar aggregate classification (germline): Uncertain significance. Review status: criteria provided, single submitter (1 of 4 stars). 2 submissions from 2 submitters: Uncertain significance (1). 1 of the submissions does not count toward it. Last evaluated 2024-03-19.

Conditions:
Greig cephalopolysyndactyly syndrome (GCPS). Also called: Greig syndrome; POLYSYNDACTYLY WITH PECULIAR SKULL SHAPE; GLI3-Related Greig Cephalopolysyndactyly Syndrome. Identifiers: Orphanet 380, MedGen C0265306, MONDO:0008287, OMIM 175700.
Pallister-Hall syndrome (PHS). Also called: HYPOTHALAMIC HAMARTOBLASTOMA, HYPOPITUITARISM, IMPERFORATE ANUS, AND POSTAXIAL POLYDACTYLY; GLI3-Related Pallister-Hall Syndrome. Identifiers: Orphanet 672, MedGen C0265220, MONDO:0007804, OMIM 146510.
GLI3-related disorder. Also called: GLI3-related condition; GLI3-related disorders. Identifiers: MedGen CN239292.

Submissions (2):

Labcorp Genetics (formerly Invitae), Labcorp
Classification: Uncertain significance for Pallister-Hall syndrome; Greig cephalopolysyndactyly syndrome. Last evaluated: 2024-03-19. Review status: criteria provided, single submitter. Criteria: Invitae Variant Classification Sherloc (09022015). Collection method: clinical testing. Allele origin: germline.
Comment: This sequence change replaces valine, which is neutral and non-polar, with leucine, which is neutral and non-polar, at codon 1045 of the GLI3 protein (p.Val1045Leu). This variant is present in population databases (no rsID available, gnomAD 0.003%). This variant has not been reported in the literature in individuals affected with GLI3-related conditions. Advanced modeling of protein sequence and biophysical properties (such as structural, functional, and spatial information, amino acid conservation, physicochemical variation, residue mobility, and thermodynamic stability) performed at Invitae indicates that this missense variant is not expected to disrupt GLI3 protein function with a negative predictive value of 80%. In summary, the available evidence is currently insufficient to determine the role of this variant in disease. Therefore, it has been classified as a Variant of Uncertain Significance.

PreventionGenetics, part of Exact Sciences
Classification: Uncertain significance for GLI3-related condition. Last evaluated: 2024-01-30. Review status: no assertion criteria provided. Collection method: clinical testing. Allele origin: germline. Not counted in ClinVar's aggregate classification.
Comment: The GLI3 c.3133G>C variant is predicted to result in the amino acid substitution p.Val1045Leu. To our knowledge, this variant has not been reported in the literature. This variant is reported in 0.0027% of alleles in individuals of European (Non-Finnish) descent in gnomAD. At this time, the clinical significance of this variant is uncertain due to the absence of conclusive functional and genetic evidence.